The following is an entry in ClinVar:

NM_024592.5(SRD5A3):c.57G>A (p.Trp19Ter)

Gene: SRD5A3 (steroid 5 alpha-reductase 3; plus strand). Cytogenetic location: 4q12.
Variant type: single nucleotide variant.
Coding change: c.57G>A on transcript NM_024592.5 (MANE Select); coding-DNA position 57, G replaced by A.
Protein change: p.Trp19Ter; replaces tryptophan 19 with a stop codon.
Molecular consequence: nonsense.
Genome position (GRCh38, 1-based): chr4:55,346,393, G>A. VCF-style: chr4-55346393-G-A. GRCh37 (hg19) VCF-style: chr4-56212560-G-A.
Other names: p.Trp19Ter; short protein forms W19*.
Identifiers: ClinVar variation 96125 (VCV000096125.61), dbSNP rs398124401, ClinGen allele CA223758.

ClinVar aggregate classification (germline): Pathogenic. Review status: criteria provided, multiple submitters, no conflicts (2 of 4 stars). 23 submissions from 23 submitters: Pathogenic (21). 2 of the submissions do not count toward it. Last evaluated 2025-10-06.

Conditions:
Global developmental delay (DD). Also called: Cognitive delay. Identifiers: MedGen C0557874, HP:0001263. Disease mechanism: loss of function.
Cone dystrophy. Identifiers: Orphanet 1871, MedGen C0730290, MONDO:0000455.
Autism (AUTS). Also called: Autistic disorder of childhood onset; Autistic disorder. Identifiers: MedGen C0004352, MeSH D001321, MONDO:0005260, OMIM 209850, HP:0000717.
SRD5A3-related disorder. Also called: SRD5A3-Related Disorders; SRD5A3-related condition.
SRD5A3-congenital disorder of glycosylation. Also called: SRD5A3-CDG; Congenital disorder of glycosylation type 1Q; Ocular colobomas, ichthyosis, brain malformations and endocrine abnormalities; CDG Iq; COLOBOMA, OCULAR, WITH ICHTHYOSIS, BRAIN MALFORMATIONS, AND ENDOCRINE ABNORMALITIES. Identifiers: Orphanet 324737, MedGen C4317224, MONDO:0012885, OMIM 612379.
Kahrizi syndrome (KHRZ). Also called: MENTAL RETARDATION, CATARACT, COLOBOMA, AND KYPHOSIS, AUTOSOMAL RECESSIVE. Identifiers: MedGen C2675185, MONDO:0012991, OMIM 612713.
Congenital disorder of glycosylation (CDG). Also called: Congenital disorders of glycosylation; Carbohydrate-deficient glycoprotein syndrome. Identifiers: Orphanet 137, MedGen C0282577, MONDO:0015286.
Abnormality of the nervous system. Also called: Congenital nervous system disorder. Identifiers: MedGen C0497552, MONDO:0002320, HP:0000707.
Retinal disorder. Also called: Retinal disorders; Retinopathy; Retinopathies; Retinal Diseases. Identifiers: MedGen C0035309, MONDO:0005283, HP:0000488.

Allele frequency attached by ClinVar (database versions not stated): gnomAD 0.00001 and 0.00005; TOPMed 0.00002; gnomAD exomes 0.00006 and 0.00012; 1000 Genomes Project 30x 0.00031; ExAC 0.00036; 1000 Genomes Project 0.00040.
gnomAD v4.1: 95 of 1,584,474 alleles (0.006%); highest among the groups gnomAD compares: South Asian, 0.095%; no homozygotes.

Submissions 1 to 13 of 23:

Genetics Laboratory, Great Ormond Street Hospital NHS Foundation Trust, North Thames Genomic Laboratory Hub
Classification: Pathogenic for Retinal disorders. Last evaluated: 2025-10-06. Review status: criteria provided, single submitter. Criteria: ACGS Best Practice Guidelines for Variant Classification in Rare Disease 2024 v1.2. Collection method: clinical testing. Allele origin: germline. Affected: yes.
Comment: PM2_moderate, PVS1_very-strong, PM3_moderate

Women's Health and Genetics/Laboratory Corporation of America, LabCorp
Classification: Pathogenic for SRD5A3-Related Disorders. Last evaluated: 2025-07-14. Review status: criteria provided, single submitter. Criteria: LabCorp Variant Classification Summary - May 2015. Collection method: clinical testing. Allele origin: germline.
Comment: Variant summary: SRD5A3 c.57G>A (p.Trp19X) results in a premature termination codon, predicted to cause a truncation of the encoded protein or absence of the protein due to nonsense mediated decay, which are commonly known mechanisms for disease. The variant allele was found at a frequency of 0.00012 in 195484 control chromosomes. This frequency is not significantly higher than estimated for a pathogenic variant in SRD5A3 causing SRD5A3-Related Disorders, allowing no conclusion about variant significance. c.57G>A has been observed in individual(s) affected with SRD5A3-Related Disorders (Kara_2014). These data indicate that the variant is likely to be associated with disease. The following publication has been ascertained in the context of this evaluation (PMID: 24433453 ). ClinVar contains an entry for this variant (Variation ID: 96125). Based on the evidence outlined above, the variant was classified as pathogenic.

PreventionGenetics, part of Exact Sciences
Classification: Pathogenic for SRD5A3-related condition. Last evaluated: 2025-06-19. Review status: criteria provided, single submitter. Criteria: ACMG Guidelines, 2015. Collection method: clinical testing. Allele origin: germline.
Comment: The SRD5A3 c.57G>A variant is predicted to result in premature protein termination (p.Trp19*). This variant has been reported many times, often in the homozygous state, in individuals with congenital disorder of glycosylation type Iq (see for examples: Morava et al. 2010. PubMed ID: 20852264; Riazuddin et al. 2016. PubMed ID: 27457812; Wheeler et al. 2016. PubMed ID: 27480077; Table S1, Lin et al. 2024. PubMed ID: 38219857; Table S2, Abolhassani et al. 2024. PubMed ID: 38374194). This variant is present in 0.079% of alleles in individuals of South Asian descent in gnomAD. Nonsense variants in SRD5A3 are an established mechanism of disease. This variant is interpreted as pathogenic.

Victorian Clinical Genetics Services, Murdoch Childrens Research Institute
Classification: Pathogenic for SRD5A3-congenital disorder of glycosylation. Last evaluated: 2025-04-22. Review status: criteria provided, single submitter. Criteria: ACMG Guidelines, 2015. Collection method: clinical testing. Allele origin: germline. Affected: yes.
Comment: This variant is classified as Pathogenic. Evidence in support of pathogenic classification: Variant is predicted to result in a truncated protein (premature termination codon is located within the first 102 nucleotides of the coding sequence and is predicted to escape nonsense-mediated decay); Variant is present in gnomAD <0.01 for a recessive condition (v4: 95 heterozygote(s), 0 homozygote(s)); This variant has strong previous evidence of pathogenicity in unrelated individuals. This variant has been classified as pathogenic by multiple clinical laboratories in ClinVar. Additional information: This variant is homozygous; This gene is associated with autosomal recessive disease; Loss of function is a known mechanism of disease in this gene and is associated with type Iq congenital disorder of glycosylation (MIM#612379) and Kahrizi syndrome (MIM#612713).

CeGaT Center for Human Genetics Tuebingen
Classification: Pathogenic. Last evaluated: 2025-04-01. Review status: criteria provided, single submitter. Criteria: CeGaT Center For Human Genetics Tuebingen Variant Classification Criteria Version 2. Collection method: clinical testing. Allele origin: germline. Affected: yes. Observed: 1 variant allele.
Comment: SRD5A3: PVS1, PM3:Strong, PM2

First Genomix Gene Laboratory, Genetic Diagnostics Department
Classification: Pathogenic for SRD5A3-congenital disorder of glycosylation; Kahrizi syndrome. Last evaluated: 2025-01-11. Review status: criteria provided, single submitter. Criteria: ACMG Guidelines, 2015. Collection method: clinical testing. Allele origin: germline. Inheritance: Autosomal recessive inheritance. Affected: no. Observed: 1 variant allele.

Division of Genetic & Genomic Pathology, Hong Kong Children's Hospital
Classification: Pathogenic for SRD5A3-congenital disorder of glycosylation. Last evaluated: 2024-11-15. Review status: criteria provided, single submitter. Criteria: ACMG Guidelines, 2015. Collection method: clinical testing. Allele origin: germline. Affected: yes.
Comment: SRD5A3 c.57G>A p.(Trp19Ter) is a nonsense variant located in exon 1 (out of 5 exons) of the gene. This variant is predicted to cause loss of normal protein function either by protein truncation or nonsense-mediated mRNA decay. This variant is relatively common in the control population in South Asian (gnomAD v4.1.0: 83 in 87,568 alleles in South Asian) without homozygote. It has been deposited as pathogenic in ClinVar (VCV000096125.40) and reported in multiple patients with SRD5A3-congenital disorder of glycosylation (PMID: 20852264, 22304929, 28253385, 29998879, 34925443). For these reasons, this variant is classified as pathogenic.

Dubai Health Genomic Medicine Center, Dubai Health
Classification: Pathogenic for Kahrizi syndrome. Last evaluated: 2024-10-04. Review status: criteria provided, single submitter. Criteria: ACMG Guidelines, 2015. Collection method: research. Allele origin: germline. Affected: yes.
Comment: PVS1,PM3 (very strong),PM2

Foundation for Research in Genetics and Endocrinology, FRIGE's Institute of Human Genetics
Classification: Pathogenic for Kahrizi syndrome. Last evaluated: 2024-02-09. Review status: criteria provided, single submitter. Criteria: ACMG Guidelines, 2015. Collection method: clinical testing. Allele origin: germline. Inheritance: Autosomal recessive inheritance. Affected: yes. Observed: 1 heterozygote.
Comment: A heterozygous nonsense variant in exon 1 of the SRD5A3 gene that results in a stop codon and premature truncation of the protein at codon 19 (p.Trp19Ter) was detected. The observed variant has previously been reported in patients affected with cerebello-ocular syndrome with abnormal glycosylation [PMID: 20852264]. The p.Trp19Ter variant has a minor allele frequency of 0.03%, 0.005%, 0.01% and 0.002% in the 1000 genomes, gnomAD (v3.1), gnomdAD (v2.1) and topmed databases respectively. The in-silico prediction of the variant is damaging by MutationTaster2. The reference codon is conserved across species. In summary, the variant meets our criteria to be classified as pathogenic.

Blueprint Genetics
Classification: Pathogenic for SRD5A3-related disorders. Last evaluated: 2024-02-07. Review status: criteria provided, single submitter. Criteria: ACMG Guidelines, 2015. Collection method: clinical testing. Allele origin: germline. Affected: yes. Observed: 5 variant alleles.

Revvity Omics, Revvity
Classification: Pathogenic. Last evaluated: 2024-01-11. Review status: criteria provided, single submitter. Criteria: ACMG Guidelines, 2015. Collection method: clinical testing. Allele origin: germline.

Daryl Scott Lab, Baylor College of Medicine
Classification: Pathogenic for SRD5A3-related disorder. Last evaluated: 2024-01-01. Review status: criteria provided, single submitter. Criteria: ACMG Guidelines, 2015. Collection method: clinical testing. Allele origin: biparental. Affected: yes. Observed: 1 homozygote.
Comment: PVS1, PM2

GeneDx
Classification: Pathogenic. Last evaluated: 2023-02-14. Review status: criteria provided, single submitter. Criteria: GeneDx Variant Classification Process June 2021. Collection method: clinical testing. Allele origin: germline. Affected: yes.
Comment: Nonsense variant predicted to result in protein truncation or nonsense mediated decay in a gene for which loss of function is a known mechanism of disease; This variant is associated with the following publications: (PMID: 29998879, 33879512, 34758253, 32581362, 24433453, 22304929, 20852264, 27480077, 28253385, 28940310, 28771251, 27457812, 25326635, 30315573, 30653986, 31980526, 31319225, 35725860)